The following is an entry in ClinVar:

ClinVar aggregate classification (germline): Benign/Likely benign. Review status: criteria provided, multiple submitters, no conflicts (2 of 4 stars). 5 submissions from 5 submitters: Benign (3); Likely benign (2). Last evaluated 2026-09-01.

Allele frequency attached by ClinVar (database versions not stated): gnomAD exomes 0.00169; ExAC 0.00192; gnomAD 0.00527 and 0.00559; TOPMed 0.00549; ESP Exome Variant Server 0.00577; 1000 Genomes Project 0.00759; 1000 Genomes Project 30x 0.00812.
gnomAD v4.1: 1,964 of 1,612,916 alleles (0.12%); highest among the groups gnomAD compares: African/African-American, 1.7%; 10 homozygotes.

Submissions (5):

CeGaT Center for Human Genetics Tuebingen
Classification: Likely benign. Last evaluated: 2026-09-01. Review status: criteria provided, single submitter. Criteria: CeGaT Center For Human Genetics Tuebingen Variant Classification Criteria Version 2. Collection method: clinical testing. Allele origin: germline. Affected: yes. Observed: 6 variant alleles.
Comment: NFKB1: BP4, BS1

Labcorp Genetics (formerly Invitae), Labcorp
Classification: Benign. Last evaluated: 2026-02-01. Review status: criteria provided, single submitter. Criteria: Invitae Variant Classification Sherloc (09022015). Collection method: clinical testing. Allele origin: germline.

Women's Health and Genetics/Laboratory Corporation of America, LabCorp
Classification: Benign. Last evaluated: 2026-01-23. Review status: criteria provided, single submitter. Criteria: LabCorp Variant Classification Summary - May 2015. Collection method: clinical testing. Allele origin: germline.

Blueprint Genetics
Classification: Likely benign. Last evaluated: 2024-11-25. Review status: criteria provided, single submitter. Criteria: ACMG Guidelines, 2015. Collection method: clinical testing. Allele origin: germline.

Breakthrough Genomics
Classification: Benign. Review status: criteria provided, single submitter. Criteria: ACMG Guidelines, 2015. Collection method: not provided. Allele origin: germline. Inheritance: Autosomal dominant inheritance. Affected: yes.

NM_003998.4(NFKB1):c.2593-4A>G

Gene: NFKB1 (nuclear factor kappa B subunit 1; plus strand). Cytogenetic location: 4q24.
Variant type: single nucleotide variant.
Coding change: c.2593-4A>G on transcript NM_003998.4 (MANE Select); 4 bases into the intron before coding-DNA position 2593, A replaced by G.
Molecular consequence: intron variant.
Genome position (GRCh38, 1-based): chr4:102,613,421, A>G. VCF-style: chr4-102613421-A-G. GRCh37 (hg19) VCF-style: chr4-103534578-A-G.
Other names: c.2590-4A>G (NM_001165412.2, NM_001319226.2).
Identifiers: ClinVar variation 713591 (VCV000713591.41), dbSNP rs150902390, ClinGen allele CA3026482.
Genomic context (GRCh38, chr4:102,613,421, plus strand): 5'-TGCTTACAGCCTGCACTGGGACTCGAACACAAGAACATGCTCCTCCTTCCTTTCTTTCTC[A>G]CAGGTCTCTGGGGGTACAGTCAGAGAGCTGGTGGAGGCCCTGAGACAAATGGGCTACACC-3'